The following is an entry in ClinVar:

ClinVar aggregate classification (germline): Uncertain significance. Review status: criteria provided, multiple submitters, no conflicts (2 of 4 stars). 2 submissions from 2 submitters: Uncertain significance (2). Last evaluated 2024-05-20.

Conditions:
Familial hemiplegic migraine. Identifiers: MedGen C0338484, MONDO:0000700.

Allele frequency attached by ClinVar (database versions not stated): TOPMed below 0.00001; gnomAD 0.00001.
gnomAD v4.1: 1 of 1,613,582 alleles (0.000062%); highest among the groups gnomAD compares: African/African-American, 0.0013%; no homozygotes.

Submissions (2):

GeneDx
Classification: Uncertain significance. Last evaluated: 2024-05-20. Review status: criteria provided, single submitter. Criteria: GeneDx Variant Classification Process June 2021. Collection method: clinical testing. Allele origin: germline. Affected: yes.
Comment: Not observed in large population cohorts (gnomAD); In silico analysis, which includes protein predictors and evolutionary conservation, supports that this variant does not alter protein structure/function; Has not been previously published as pathogenic or benign to our knowledge

Labcorp Genetics (formerly Invitae), Labcorp
Classification: Uncertain significance for Familial hemiplegic migraine. Last evaluated: 2021-12-19. Review status: criteria provided, single submitter. Criteria: Invitae Variant Classification Sherloc (09022015). Collection method: clinical testing. Allele origin: germline.
Comment: In summary, the available evidence is currently insufficient to determine the role of this variant in disease. Therefore, it has been classified as a Variant of Uncertain Significance. Algorithms developed to predict the effect of missense changes on protein structure and function (SIFT, PolyPhen-2, Align-GVGD) all suggest that this variant is likely to be disruptive. ClinVar contains an entry for this variant (Variation ID: 1307869). This variant has not been reported in the literature in individuals affected with ATP1A2-related conditions. This sequence change replaces glutamic acid, which is acidic and polar, with aspartic acid, which is acidic and polar, at codon 760 of the ATP1A2 protein (p.Glu760Asp). This variant is not present in population databases (gnomAD no frequency).

NM_000702.4(ATP1A2):c.2280G>T (p.Glu760Asp)

Gene: ATP1A2 (ATPase Na+/K+ transporting subunit alpha 2; plus strand). Cytogenetic location: 1q23.2.
Variant type: single nucleotide variant.
Coding change: c.2280G>T on transcript NM_000702.4 (MANE Select); coding-DNA position 2280, G replaced by T.
Protein change: p.Glu760Asp; replaces glutamic acid 760 with aspartic acid.
Molecular consequence: missense variant.
Genome position (GRCh38, 1-based): chr1:160,135,598, G>T. VCF-style: chr1-160135598-G-T. GRCh37 (hg19) VCF-style: chr1-160105388-G-T.
Other names: short protein forms E760D.
Identifiers: ClinVar variation 1307869 (VCV001307869.7), dbSNP rs916068745, ClinGen allele CA31501257.